The following is an entry in ClinVar:

NM_198525.3(KIF7):c.133G>C (p.Gly45Arg)

Gene: KIF7 (kinesin family member 7; minus strand). Cytogenetic location: 15q26.1.
Variant type: single nucleotide variant.
Coding change: c.133G>C on transcript NM_198525.3 (MANE Select); coding-DNA position 133, G replaced by C.
Protein change: p.Gly45Arg; replaces glycine 45 with arginine.
Molecular consequence: missense variant.
Genome position (GRCh38, 1-based): chr15:89,652,798, C>G on the plus strand (G>C on the coding strand, the complement: KIF7 is on the minus strand). VCF-style: chr15-89652798-C-G. GRCh37 (hg19) VCF-style: chr15-90196029-C-G.
Other names: short protein forms G45R.
Identifiers: ClinVar variation 2181329 (VCV002181329.4), dbSNP rs1964145398, ClinGen allele CA393780483.

ClinVar aggregate classification (germline): Uncertain significance (1 of 4 stars; one submission).

Conditions:
Acrocallosal syndrome (ACLS). Also called: HALLUX DUPLICATION, POSTAXIAL POLYDACTYLY, AND ABSENCE OF CORPUS CALLOSUM; Schinzel syndrome 1; Absence of corpus callosum with unusual facial appearance, mental deficiency, duplication of the halluces and polydactyly. Identifiers: Orphanet 36, MedGen C0796147, MONDO:0008708, OMIM 200990.

Allele frequency attached by ClinVar (database versions not stated): TOPMed below 0.00001; gnomAD 0.00001.
gnomAD v4.1: 3 of 1,551,142 alleles (0.00019%); highest among the groups gnomAD compares: Non-Finnish European, 0.00026%; no homozygotes.

Submission:

Labcorp Genetics (formerly Invitae), Labcorp
Classification: Uncertain significance for Acrocallosal syndrome. Last evaluated: 2022-08-20. Review status: criteria provided, single submitter. Criteria: Invitae Variant Classification Sherloc (09022015). Collection method: clinical testing. Allele origin: germline.
Comment: This variant has not been reported in the literature in individuals affected with KIF7-related conditions. In summary, the available evidence is currently insufficient to determine the role of this variant in disease. Therefore, it has been classified as a Variant of Uncertain Significance. Algorithms developed to predict the effect of missense changes on protein structure and function are either unavailable or do not agree on the potential impact of this missense change (SIFT: "Deleterious"; PolyPhen-2: "Benign"; Align-GVGD: "Class C0"). This sequence change replaces glycine, which is neutral and non-polar, with arginine, which is basic and polar, at codon 45 of the KIF7 protein (p.Gly45Arg). This variant is not present in population databases (gnomAD no frequency).